The following is an entry in ClinVar:

NC_000001.11:g.(?_237417039)_(237801926_?)dup

Gene: RYR2 (ryanodine receptor 2; plus strand). Cytogenetic location: 1q43.
Variant type: Duplication.
Identifiers: ClinVar variation 831695 (VCV000831695.7).

ClinVar aggregate classification (germline): Uncertain significance (1 of 4 stars; one submission).

Conditions:
Catecholaminergic polymorphic ventricular tachycardia 1. Also called: VENTRICULAR TACHYCARDIA, CATECHOLAMINERGIC POLYMORPHIC, 1, WITH OR WITHOUT ATRIAL DYSFUNCTION AND/OR DILATED CARDIOMYOPATHY; RYR2-Related Catecholaminergic Polymorphic Ventricular Tachycardia; VENTRICULAR TACHYCARDIA, STRESS-INDUCED POLYMORPHIC 1. Identifiers: Orphanet 3286, MedGen C1631597, MONDO:0011484, OMIM 604772.

Submission:

Labcorp Genetics (formerly Invitae), Labcorp
Classification: Uncertain significance for Catecholaminergic polymorphic ventricular tachycardia 1. Last evaluated: 2019-01-30. Review status: criteria provided, single submitter. Criteria: Invitae Variant Classification Sherloc (09022015). Collection method: clinical testing. Allele origin: germline.
Comment: This variant has not been reported in the literature in individuals with a RYR2-related disease. This variant is not present in population databases (ExAC no frequency). This variant is a gross duplication of the genomic region encompassing exons 11-98 of the RYR2 gene. While the exact position of the duplicated exons cannot be determined from this data, the duplicated copy of this region is likely in tandem and may result in an absent or disrupted protein product. In summary, this variant has uncertain impact on RYR2 function. The available evidence is currently insufficient to determine its role in disease. Therefore, it has been classified as a Variant of Uncertain Significance. The current clinical and genetic evidence is not sufficient to establish whether loss-of-function variants in RYR2 cause disease. Experimental studies and prediction algorithms are not available for this variant, and the functional significance of the duplicated amino acids is currently unknown.